The following is an entry in ClinVar:

NM_001844.5(COL2A1):c.1222-2A>G

Gene: COL2A1 (collagen type II alpha 1 chain; minus strand). Cytogenetic location: 12q13.11.
Variant type: single nucleotide variant.
Coding change: c.1222-2A>G on transcript NM_001844.5 (MANE Select); the canonical splice acceptor site of the intron before coding-DNA position 1222, A replaced by G.
Molecular consequence: splice acceptor variant.
Genome position (GRCh38, 1-based): chr12:47,987,315, T>C on the plus strand (A>G on the coding strand, the complement: COL2A1 is on the minus strand). VCF-style: chr12-47987315-T-C. GRCh37 (hg19) VCF-style: chr12-48381098-T-C.
Other names: IVS17, A-G, -2; c.1015-2A>G (NM_033150.3).
Identifiers: ClinVar variation 17374 (VCV000017374.7), dbSNP rs2136577259, ClinGen allele CA384554296.
Genomic context (GRCh38, chr12:47,987,315, plus strand): 5'-CGGGCAACACTCACAGCAGATCCTTTGGCTCCAGGAATTCCATCTGTTCCAGGGTTACCC[T>C]GAAAAGGGAGACATTGTCAAATAAGCAGCAAAGAATGAACCCCAACCACCTCCAGCCCTC-3'

ClinVar aggregate classification (germline): Pathogenic. Review status: criteria provided, multiple submitters, no conflicts (2 of 4 stars). 3 submissions from 3 submitters: Pathogenic (2). 1 of the submissions does not count toward it. Last evaluated 2023-10-20.

Conditions:
Stickler syndrome type 1 (STL1). Also called: ARTHROOPHTHALMOPATHY, HEREDITARY PROGRESSIVE; STICKLER SYNDROME, MEMBRANOUS VITREOUS TYPE; STICKLER SYNDROME, VITREOUS TYPE 1; COL2A1-Related Stickler Syndrome. Identifiers: Orphanet 828, Orphanet 90653, MedGen C2020284, MONDO:0007160, OMIM 108300.

Submissions (3):

Division of Genomic Medicine, Department of Advanced Medicine, Medical Research Institute, Kanazawa Medical University
Classification: Pathogenic for Stickler syndrome type 1. Last evaluated: 2023-10-20. Review status: criteria provided, single submitter. Criteria: ACMG Guidelines, 2015. Collection method: clinical testing. Allele origin: germline. Affected: yes. Observed: 1 variant allele.

Labcorp Genetics (formerly Invitae), Labcorp
Classification: Pathogenic. Last evaluated: 2022-06-25. Review status: criteria provided, single submitter. Criteria: Invitae Variant Classification Sherloc (09022015). Collection method: clinical testing. Allele origin: germline.
Comment: This sequence change affects an acceptor splice site in intron 19 of the COL2A1 gene. RNA analysis indicates that disruption of this splice site induces altered splicing and may result in an absent or disrupted protein product. This variant is not present in population databases (gnomAD no frequency). Disruption of this splice site has been observed in individual(s) with Stickler syndrome (PMID: 8737653). It has also been observed to segregate with disease in related individuals. ClinVar contains an entry for this variant (Variation ID: 17374). Studies have shown that disruption of this splice site results in activation of a cryptic splice site and introduces a premature termination codon (PMID: 8737653). The resulting mRNA is expected to undergo nonsense-mediated decay. For these reasons, this variant has been classified as Pathogenic.

OMIM
Classification: Pathogenic for STICKLER SYNDROME, TYPE I. Last evaluated: 1996-06-14. Review status: no assertion criteria provided. Collection method: literature only. Allele origin: germline. Not counted in ClinVar's aggregate classification.

Literature cited by the submitters: PubMed 25046119 (cited by Division of Genomic Medicine, Department of Advanced Medicine, Medical Research Institute, Kanazawa Medical University); PubMed 8737653 (cited by Labcorp Genetics (formerly Invitae), Labcorp and OMIM); PubMed 14299791 (cited by OMIM).